The following is an entry in ClinVar:

NM_001931.5(DLAT):c.1130-6T>G

Gene: DLAT (dihydrolipoamide S-acetyltransferase; plus strand). Cytogenetic location: 11q23.1.
Variant type: single nucleotide variant.
Coding change: c.1130-6T>G on transcript NM_001931.5 (MANE Select); 6 bases into the intron before coding-DNA position 1130, T replaced by G.
Molecular consequence: intron variant.
Genome position (GRCh38, 1-based): chr11:112,043,460, T>G. VCF-style: chr11-112043460-T-G. GRCh37 (hg19) VCF-style: chr11-111914184-T-G.
Other names: c.668-6T>G (NM_001372042.1); c.1130-6T>G (NM_001372031.1, NM_001372033.1, NM_001372035.1); c.1130-12T>G (NM_001372032.1); c.815-6T>G (NM_001372039.1, NM_001372041.1); c.851-6T>G (NM_001372038.1); c.749-6T>G (NM_001372040.1); c.1097-6T>G (NM_001372034.1); c.1004-6T>G (NM_001372036.1); and 1 more.
Identifiers: ClinVar variation 2120184 (VCV002120184.5), dbSNP rs1863147548, ClinGen allele CA2000536288.
Genomic context (GRCh38, chr11:112,043,460, plus strand): 5'-CAGCGTTGATCTCCTTGGGGAACCAATGGTATGTCATCATGTATGTGATATTTATGTCTC[T>G]TACAGGGACAGGACCAGATGGTAGAATCACCAAGAAGGATATCGACTCTTTTGTGCCTAG-3'

ClinVar aggregate classification (germline): Uncertain significance. Review status: criteria provided, multiple submitters, no conflicts (2 of 4 stars). 2 submissions from 2 submitters: Uncertain significance (2). Last evaluated 2023-10-17.

Conditions:
Pyruvate dehydrogenase E2 deficiency (PDHDD). Also called: LACTIC ACIDEMIA DUE TO DEFECT OF E2 LIPOYL TRANSACETYLASE OF THE PYRUVATE DEHYDROGENASE COMPLEX; Dihydrolipoamide Acetyltransferase (E2) Deficiency. Identifiers: Orphanet 765, Orphanet 79244, MedGen C1855565, MONDO:0009502, OMIM 245348.

Allele frequency attached by ClinVar (database versions not stated): gnomAD exomes below 0.00001.
gnomAD v4.1: 3 of 1,613,660 alleles (0.00019%); highest among the groups gnomAD compares: Non-Finnish European, 0.00025%; no homozygotes.

Submissions (2):

GeneDx
Classification: Uncertain significance. Last evaluated: 2023-10-17. Review status: criteria provided, single submitter. Criteria: GeneDx Variant Classification Process June 2021. Collection method: clinical testing. Allele origin: germline. Affected: yes.
Comment: Not observed at significant frequency in large population cohorts (gnomAD); Has not been previously published as pathogenic or benign to our knowledge; In silico analysis is inconclusive as to whether the variant alters gene splicing. In the absence of RNA/functional studies, the actual effect of this sequence change is unknown.

Labcorp Genetics (formerly Invitae), Labcorp
Classification: Uncertain significance for Pyruvate dehydrogenase E2 deficiency. Last evaluated: 2022-04-01. Review status: criteria provided, single submitter. Criteria: Invitae Variant Classification Sherloc (09022015). Collection method: clinical testing. Allele origin: germline.
Comment: In summary, the available evidence is currently insufficient to determine the role of this variant in disease. Therefore, it has been classified as a Variant of Uncertain Significance. Algorithms developed to predict the effect of sequence changes on RNA splicing suggest that this variant may disrupt the consensus splice site. This variant has not been reported in the literature in individuals affected with DLAT-related conditions. This variant is not present in population databases (gnomAD no frequency). This sequence change falls in intron 7 of the DLAT gene. It does not directly change the encoded amino acid sequence of the DLAT protein.